The following is an entry in ClinVar:

ClinVar aggregate classification (germline): Pathogenic (1 of 4 stars; one submission).

Conditions:
Cohen syndrome (COH1). Also called: Cutis verticis gyrata, retinitis pigmentosa, and sensorineural deafness; PEPPER SYNDROME. Identifiers: Orphanet 193, MedGen C0265223, MONDO:0008999, OMIM 216550.

Submission:

Labcorp Genetics (formerly Invitae), Labcorp
Classification: Pathogenic for Cohen syndrome. Last evaluated: 2023-12-21. Review status: criteria provided, single submitter. Criteria: Invitae Variant Classification Sherloc (09022015). Collection method: clinical testing. Allele origin: germline.
Comment: This sequence change creates a premature translational stop signal (p.Lys908Serfs*13) in the VPS13B gene. It is expected to result in an absent or disrupted protein product. Loss-of-function variants in VPS13B are known to be pathogenic (PMID: 15141358, 16648375, 20461111). This variant is not present in population databases (gnomAD no frequency). This variant has not been reported in the literature in individuals affected with VPS13B-related conditions. ClinVar contains an entry for this variant (Variation ID: 2099428). For these reasons, this variant has been classified as Pathogenic.

Literature cited by the submitters: PubMed 15141358; PubMed 16648375; PubMed 20461111.

NM_152564.5(VPS13B):c.2723del (p.Lys908fs)

Gene: VPS13B (vacuolar protein sorting 13 homolog B; plus strand). Cytogenetic location: 8q22.2.
Variant type: Deletion.
Coding change: c.2723del on transcript NM_152564.5 (MANE Select); coding-DNA position 2723, one base deleted (A; older notation c.2723delA).
Protein change: p.Lys908fs; shifts the reading frame from lysine 908.
Molecular consequence: frameshift variant.
Genome position (GRCh38, 1-based): chr8:99,275,153, A deleted; the last of 2 consecutive A bases (chr8:99,275,152-99,275,153); deleting either gives the same sequence. VCF-style (leftmost placement, unchanged base first): chr8-99275151-CA-C. GRCh37 (hg19) VCF-style: chr8-100287379-CA-C.
Other names: c.2723del, p.Lys908fs (NM_017890.5); short protein forms K908fs.
Identifiers: ClinVar variation 2099428 (VCV002099428.4), dbSNP rs2489226644, ClinGen allele CA2579215600.